The following is an entry in ClinVar:

NM_017617.5(NOTCH1):c.6924C>G (p.Cys2308Trp)

Gene: NOTCH1 (notch receptor 1; minus strand). Cytogenetic location: 9q34.3.
Variant type: single nucleotide variant.
Coding change: c.6924C>G on transcript NM_017617.5 (MANE Select); coding-DNA position 6924, C replaced by G.
Protein change: p.Cys2308Trp; replaces cysteine 2308 with tryptophan.
Molecular consequence: missense variant.
Genome position (GRCh38, 1-based): chr9:136,496,815, G>C on the plus strand (C>G on the coding strand, the complement: NOTCH1 is on the minus strand). VCF-style: chr9-136496815-G-C. GRCh37 (hg19) VCF-style: chr9-139391267-G-C.
Other names: c.6924C>G (NM_017617.3); short protein forms C2308W.
Identifiers: ClinVar variation 1447083 (VCV001447083.7), dbSNP rs756653663, ClinGen allele CA201633194.

ClinVar aggregate classification (germline): Uncertain significance. Review status: criteria provided, multiple submitters, no conflicts (2 of 4 stars). 2 submissions from 2 submitters: Uncertain significance (2). Last evaluated 2026-07-22.

Conditions:
Adams-Oliver syndrome 5 (AOS5). Identifiers: Orphanet 974, MedGen C4014970, MONDO:0014459, OMIM 616028.
Familial thoracic aortic aneurysm and aortic dissection (TAAD). Also called: Thoracic aortic aneurysms and dissections. Identifiers: Orphanet 91387, MedGen C4707243, MONDO:0019625.

gnomAD v4.1: 3 of 1,612,936 alleles (0.00019%); highest among the groups gnomAD compares: Non-Finnish European, 0.00025%; no homozygotes.

Submissions (2):

Ambry Genetics
Classification: Uncertain significance for Familial thoracic aortic aneurysm and aortic dissection. Last evaluated: 2026-07-22. Review status: criteria provided, single submitter. Criteria: Ambry Variant Classification Scheme 2023. Collection method: clinical testing. Allele origin: germline.
Comment: The p.C2308W variant (also known as c.6924C>G), located in coding exon 34 of the NOTCH1 gene, results from a C to G substitution at nucleotide position 6924. The cysteine at codon 2308 is replaced by tryptophan, an amino acid with highly dissimilar properties. This amino acid position is highly conserved in available vertebrate species. In addition, this alteration is predicted to be deleterious by in silico analysis. Based on the available evidence, the clinical significance of this variant remains unclear.

Labcorp Genetics (formerly Invitae), Labcorp
Classification: Uncertain significance for Adams-Oliver syndrome 5. Last evaluated: 2023-08-04. Review status: criteria provided, single submitter. Criteria: Invitae Variant Classification Sherloc (09022015). Collection method: clinical testing. Allele origin: germline.
Comment: ClinVar contains an entry for this variant (Variation ID: 1447083). Advanced modeling of protein sequence and biophysical properties (such as structural, functional, and spatial information, amino acid conservation, physicochemical variation, residue mobility, and thermodynamic stability) performed at Invitae indicates that this missense variant is not expected to disrupt NOTCH1 protein function. In summary, the available evidence is currently insufficient to determine the role of this variant in disease. Therefore, it has been classified as a Variant of Uncertain Significance. This variant is not present in population databases (gnomAD no frequency). This variant has not been reported in the literature in individuals affected with NOTCH1-related conditions. This sequence change replaces cysteine, which is neutral and slightly polar, with tryptophan, which is neutral and slightly polar, at codon 2308 of the NOTCH1 protein (p.Cys2308Trp).